The following is an entry in ClinVar:

ClinVar aggregate classification (germline): Uncertain significance (1 of 4 stars; one submission).

Conditions:
Hereditary cancer-predisposing syndrome. Also called: Hereditary neoplastic syndrome; Neoplastic Syndromes, Hereditary; Tumor predisposition; Hereditary Cancer Syndrome. Identifiers: Orphanet 140162, MedGen C0027672, MeSH D009386, MONDO:0015356.

Submission:

Ambry Genetics
Classification: Uncertain significance for Hereditary cancer-predisposing syndrome. Last evaluated: 2025-02-18. Review status: criteria provided, single submitter. Criteria: Ambry Variant Classification Scheme 2023. Collection method: clinical testing. Allele origin: germline.
Comment: The p.D440E variant (also known as c.1320C>A), located in coding exon 15 of the CDC73 gene, results from a C to A substitution at nucleotide position 1320. The aspartic acid at codon 440 is replaced by glutamic acid, an amino acid with highly similar properties. This amino acid position is conserved. In addition, this alteration is predicted to be tolerated by in silico analysis. Based on the available evidence, the clinical significance of this variant remains unclear.

NM_024529.5(CDC73):c.1320C>A (p.Asp440Glu)

Gene: CDC73 (cell division cycle 73; plus strand). Cytogenetic location: 1q31.2.
Variant type: single nucleotide variant.
Coding change: c.1320C>A on transcript NM_024529.5 (MANE Select); coding-DNA position 1320, C replaced by A.
Protein change: p.Asp440Glu; replaces aspartic acid 440 with glutamic acid.
Molecular consequence: missense variant.
Genome position (GRCh38, 1-based): chr1:193,236,259, C>A. VCF-style: chr1-193236259-C-A. GRCh37 (hg19) VCF-style: chr1-193205389-C-A.
Other names: short protein forms D440E.
Identifiers: ClinVar variation 3829899 (VCV003829899.1).
Genomic context (GRCh38, chr1:193,236,259, plus strand): 5'-GTTTGAAATAATCTCCGTCTGTCCCCTACCTCCCCCCACCCACTTTTCTACTTGTAGGGA[C>A]CGCGTTGTAGCCGTTTTTGTGCAGGGTCCTGCATGGCAGTTCAAAGGTTGGCCATGGCTT-3'
Protein context (NP_078805.3, residues 430-450): QPLKLMPQDW[Asp440Glu]RVVAVFVQGP